The following is an entry in ClinVar:

NM_005591.4(MRE11):c.1663G>A (p.Ala555Thr)

Gene: MRE11 (MRE11 double strand break repair nuclease; minus strand). Cytogenetic location: 11q21.
Variant type: single nucleotide variant.
Coding change: c.1663G>A on transcript NM_005591.4 (MANE Select); coding-DNA position 1663, G replaced by A.
Protein change: p.Ala555Thr; replaces alanine 555 with threonine.
Molecular consequence: missense variant.
Genome position (GRCh38, 1-based): chr11:94,447,339, C>T on the plus strand (G>A on the coding strand, the complement: MRE11 is on the minus strand). VCF-style: chr11-94447339-C-T. GRCh37 (hg19) VCF-style: chr11-94180505-C-T.
Other names: c.1663G>A, p.Ala555Thr (NM_001330347.2, NM_005590.4); short protein forms A555T.
Identifiers: ClinVar variation 232843 (VCV000232843.5), dbSNP rs876660023, ClinGen allele CA10579365.

ClinVar aggregate classification (germline): Uncertain significance (1 of 4 stars; one submission).

Conditions:
Hereditary cancer-predisposing syndrome. Also called: Neoplastic Syndromes, Hereditary; Tumor predisposition; Hereditary Cancer Syndrome; Hereditary neoplastic syndrome. Identifiers: Orphanet 140162, MedGen C0027672, MeSH D009386, MONDO:0015356.

Submission:

Ambry Genetics
Classification: Uncertain significance for Hereditary cancer-predisposing syndrome. Last evaluated: 2017-12-28. Review status: criteria provided, single submitter. Criteria: Ambry Variant Classification Scheme 2023. Collection method: clinical testing. Allele origin: germline.
Comment: The p.A555T variant (also known as c.1663G>A), located in coding exon 14 of the MRE11A gene, results from a G to A substitution at nucleotide position 1663. The alanine at codon 555 is replaced by threonine, an amino acid with similar properties. This amino acid position is well conserved in available vertebrate species. In addition, this alteration is predicted to be tolerated by in silico analysis. Since supporting evidence is limited at this time, the clinical significance of this variant remains unclear.